The following is an entry in ClinVar:

ClinVar aggregate classification (germline): Uncertain significance. Review status: criteria provided, multiple submitters, no conflicts (2 of 4 stars). 2 submissions from 2 submitters: Uncertain significance (2). Last evaluated 2023-11-13.

Conditions:
Epidermolysis bullosa simplex with nail dystrophy (EBS5D). Identifiers: MedGen C4225309, MONDO:0014661, OMIM 616487.
Epidermolysis bullosa simplex 5B, with muscular dystrophy (EBS5B). Also called: EPIDERMOLYSIS BULLOSA SIMPLEX AND LIMB-GIRDLE MUSCULAR DYSTROPHY; Epidermolysis bullosa simplex with muscular dystrophy. Identifiers: Orphanet 257, MedGen C2931072, MONDO:0009181, OMIM 226670.
Epidermolysis bullosa simplex, Ogna type (EBS5A). Also called: Pidermolysis bullosa simplex 5A, Ogna type; EPIDERMOLYSIS BULLOSA SIMPLEX 5A, OGNA TYPE. Identifiers: Orphanet 79401, MedGen C0432317, MONDO:0007555, OMIM 131950.
Epidermolysis bullosa simplex 5C, with pyloric atresia (EBS5C). Also called: Epidermolysis bullosa simplex with pyloric atresia; PLEC-Related Epidermolysis Bullosa with Pyloric Atresia; PLEC1-Related Epidermolysis Bullosa with Pyloric Atresia. Identifiers: Orphanet 158684, MedGen C2677349, MONDO:0012807, OMIM 612138.
Autosomal recessive limb-girdle muscular dystrophy type 2Q (LGMDR17). Also called: MUSCULAR DYSTROPHY, LIMB-GIRDLE, AUTOSOMAL RECESSIVE 17. Identifiers: Orphanet 254361, MedGen C3150989, MONDO:0013390, OMIM 613723.
Inborn genetic diseases. Identifiers: MedGen C0950123, MeSH D030342.

Allele frequency attached by ClinVar (database versions not stated): gnomAD 0.00001; gnomAD exomes 0.00001; TOPMed 0.00001; ExAC 0.00002.
gnomAD v4.1: 17 of 1,582,448 alleles (0.0011%); highest among the groups gnomAD compares: Non-Finnish European, 0.0014%; no homozygotes.

Submissions (2):

Ambry Genetics
Classification: Uncertain significance for Inborn genetic diseases. Last evaluated: 2023-11-13. Review status: criteria provided, single submitter. Criteria: Ambry Variant Classification Scheme 2023. Collection method: clinical testing. Allele origin: germline.

Labcorp Genetics (formerly Invitae), Labcorp
Classification: Uncertain significance for Autosomal recessive limb-girdle muscular dystrophy type 2Q; Epidermolysis bullosa simplex, Ogna type; Epidermolysis bullosa simplex with nail dystrophy; Epidermolysis bullosa simplex 5C, with pyloric atresia; Epidermolysis bullosa simplex 5B, with muscular dystrophy. Last evaluated: 2021-12-14. Review status: criteria provided, single submitter. Criteria: Invitae Variant Classification Sherloc (09022015). Collection method: clinical testing. Allele origin: germline.
Comment: This sequence change replaces alanine, which is neutral and non-polar, with valine, which is neutral and non-polar, at codon 892 of the PLEC protein (p.Ala892Val). The frequency data for this variant in the population databases is considered unreliable, as metrics indicate poor data quality at this position in the gnomAD database. This variant has not been reported in the literature in individuals affected with PLEC-related conditions. Algorithms developed to predict the effect of missense changes on protein structure and function are either unavailable or do not agree on the potential impact of this missense change (SIFT: "Deleterious"; PolyPhen-2: "Not Available"; Align-GVGD: "Class C55"). In summary, the available evidence is currently insufficient to determine the role of this variant in disease. Therefore, it has been classified as a Variant of Uncertain Significance.

NM_201384.3(PLEC):c.2594C>T (p.Ala865Val)

Gene: PLEC (plectin; minus strand). Cytogenetic location: 8q24.3.
Variant type: single nucleotide variant.
Coding change: c.2594C>T on transcript NM_201384.3 (MANE Select); coding-DNA position 2594, C replaced by T.
Protein change: p.Ala865Val; replaces alanine 865 with valine.
Molecular consequence: missense variant.
Genome position (GRCh38, 1-based): chr8:143,930,162, G>A on the plus strand (C>T on the coding strand, the complement: PLEC is on the minus strand). VCF-style: chr8-143930162-G-A. GRCh37 (hg19) VCF-style: chr8-145004330-G-A.
Other names: c.2675C>T (NM_000445.3); c.2675C>T, p.Ala892Val (NM_000445.5, NM_001410941.1); c.2552C>T, p.Ala851Val (NM_201378.4); c.2528C>T, p.Ala843Val (NM_201379.3); c.3005C>T, p.Ala1002Val (NM_201380.4); c.2498C>T, p.Ala833Val (NM_201381.3); c.2594C>T, p.Ala865Val (NM_201382.4); c.2606C>T, p.Ala869Val (NM_201383.3); short protein forms A843V, A869V, A1002V, A865V, A892V, A833V, A851V.
Identifiers: ClinVar variation 2186719 (VCV002186719.5), dbSNP rs3135108, ClinGen allele CA4927468.